The following is an entry in ClinVar:

NM_013276.4(SHPK):c.5C>T (p.Ala2Val)

Gene: SHPK (sedoheptulokinase; minus strand). Cytogenetic location: 17p13.2.
Variant type: single nucleotide variant.
Coding change: c.5C>T on transcript NM_013276.4 (MANE Select); coding-DNA position 5, C replaced by T.
Protein change: p.Ala2Val; replaces alanine 2 with valine.
Molecular consequence: missense variant.
Genome position (GRCh38, 1-based): chr17:3,636,215, G>A on the plus strand (C>T on the coding strand, the complement: SHPK is on the minus strand). VCF-style: chr17-3636215-G-A. GRCh37 (hg19) VCF-style: chr17-3539509-G-A.
Other names: short protein forms A2V.
Identifiers: ClinVar variation 4744360 (VCV004744360.1).

ClinVar aggregate classification (germline): Uncertain significance (1 of 4 stars; one submission).

gnomAD v4.1: 20 of 1,602,312 alleles (0.0012%); highest among the groups gnomAD compares: East Asian, 0.032%; no homozygotes.

Submission:

Labcorp Genetics (formerly Invitae), Labcorp
Classification: Uncertain significance. Last evaluated: 2025-12-31. Review status: criteria provided, single submitter. Criteria: Invitae Variant Classification Sherloc (09022015). Collection method: clinical testing. Allele origin: germline.
Comment: This sequence change replaces alanine, which is neutral and non-polar, with valine, which is neutral and non-polar, at codon 2 of the SHPK protein (p.Ala2Val). This variant is present in population databases (rs770810902, gnomAD 0.02%). This variant has not been reported in the literature in individuals affected with SHPK-related conditions. An algorithm developed to predict the effect of missense changes on protein structure and function (PolyPhen-2) suggests that this variant is likely to be tolerated. In summary, the available evidence is currently insufficient to determine the role of this variant in disease. Therefore, it has been classified as a Variant of Uncertain Significance.